The following is an entry in ClinVar:

ClinVar aggregate classification (germline): Uncertain significance. Review status: criteria provided, single submitter (1 of 4 stars). 2 submissions from 2 submitters: Uncertain significance (1). 1 of the submissions does not count toward it. Last evaluated 2025-01-16.

Conditions:
CPAMD8-related disorder. Also called: CPAMD8-related condition.
Inborn genetic diseases. Identifiers: MedGen C0950123, MeSH D030342.

Allele frequency attached by ClinVar (database versions not stated): TOPMed 0.00006; ESP Exome Variant Server 0.00008; gnomAD 0.00010; 1000 Genomes Project 30x 0.00016; gnomAD exomes 0.00017; 1000 Genomes Project 0.00020; ExAC 0.00039.
gnomAD v4.1: 256 of 1,610,032 alleles (0.016%); highest among the groups gnomAD compares: South Asian, 0.2%; 2 homozygotes.

Submissions (2):

Ambry Genetics
Classification: Uncertain significance for Inborn genetic diseases. Last evaluated: 2025-01-16. Review status: criteria provided, single submitter. Criteria: Ambry Variant Classification Scheme 2023. Collection method: clinical testing. Allele origin: germline.

PreventionGenetics, part of Exact Sciences
Classification: Likely benign for CPAMD8-related condition. Last evaluated: 2020-07-20. Review status: no assertion criteria provided. Collection method: clinical testing. Allele origin: germline. Not counted in ClinVar's aggregate classification.
Comment: This variant is classified as likely benign based on ACMG/AMP sequence variant interpretation guidelines (Richards et al. 2015 PMID: 25741868, with internal and published modifications).

NM_015692.5(CPAMD8):c.124C>T (p.Arg42Cys)

Gene: CPAMD8 (C3 and PZP like alpha-2-macroglobulin domain containing 8; minus strand). Cytogenetic location: 19p13.11.
Variant type: single nucleotide variant.
Coding change: c.124C>T on transcript NM_015692.5 (MANE Select); coding-DNA position 124, C replaced by T.
Protein change: p.Arg42Cys; replaces arginine 42 with cysteine.
Molecular consequence: missense variant. On other transcripts: non-coding transcript variant (1).
Genome position (GRCh38, 1-based): chr19:17,022,150, G>A on the plus strand (C>T on the coding strand, the complement: CPAMD8 is on the minus strand). VCF-style: chr19-17022150-G-A. GRCh37 (hg19) VCF-style: chr19-17132960-G-A.
Other names: short protein forms R42C.
Identifiers: ClinVar variation 3047018 (VCV003047018.3), dbSNP rs370851142, ClinGen allele CA9286289.